The following is an entry in ClinVar:

ClinVar aggregate classification (germline): Uncertain significance (1 of 4 stars; one submission).

Conditions:
Susceptibility to respiratory infections associated with CD8alpha chain mutation (IMD116). Also called: Cd8 deficiency, familial; IMMUNODEFICIENCY 116. Identifiers: Orphanet 169085, MedGen C1837065, MONDO:0012161, OMIM 608957.

gnomAD v4.1: 2 of 1,491,370 alleles (0.00013%); highest among the groups gnomAD compares: Non-Finnish European, 0.00018%; no homozygotes.

Submission:

Labcorp Genetics (formerly Invitae), Labcorp
Classification: Uncertain significance for Susceptibility to respiratory infections associated with CD8alpha chain mutation. Last evaluated: 2019-07-23. Review status: criteria provided, single submitter. Criteria: Invitae Variant Classification Sherloc (09022015). Collection method: clinical testing. Allele origin: germline.
Comment: In summary, the available evidence is currently insufficient to determine the role of this variant in disease. Therefore, it has been classified as a Variant of Uncertain Significance. Nucleotide substitutions within the consensus splice site are a relatively common cause of aberrant splicing (PMID: 17576681, 9536098). Algorithms developed to predict the effect of sequence changes on RNA splicing suggest that this variant is not likely to affect RNA splicing, but this prediction has not been confirmed by published transcriptional studies. This variant has not been reported in the literature in individuals with CD8A-related conditions. The frequency data for this variant in the population databases is considered unreliable, as metrics indicate insufficient coverage at this position in the ExAC database. This sequence change falls in intron 3 of the CD8A gene. It does not directly change the encoded amino acid sequence of the CD8A protein, but it affects a nucleotide within the consensus splice site of the intron.

Literature cited by the submitters: PubMed 17576681; PubMed 9536098.

NM_001768.7(CD8A):c.514+6G>T

Gene: CD8A (CD8 subunit alpha; minus strand). Cytogenetic location: 2p11.2.
Variant type: single nucleotide variant.
Coding change: c.514+6G>T on transcript NM_001768.7 (MANE Select); 6 bases into the intron after coding-DNA position 514, G replaced by T.
Molecular consequence: intron variant.
Genome position (GRCh38, 1-based): chr2:86,789,634, C>A on the plus strand (G>T on the coding strand, the complement: CD8A is on the minus strand). VCF-style: chr2-86789634-C-A. GRCh37 (hg19) VCF-style: chr2-87016757-C-A.
Other names: c.514+6G>T (NM_001145873.1, NM_001382698.1, NM_171827.4).
Identifiers: ClinVar variation 954586 (VCV000954586.9), dbSNP rs947086919, ClinGen allele CA51407184.